The following is an entry in ClinVar:

NM_000260.4(MYO7A):c.1059_1075del (p.Ala353_Thr354insTer)

Gene: MYO7A (myosin VIIA; plus strand). Cytogenetic location: 11q13.5.
Variant type: Deletion.
Coding change: c.1059_1075del on transcript NM_000260.4 (MANE Select); coding-DNA positions 1059 to 1075, 17 bases deleted (CACAGCTGCATCCCTGC).
Protein change: p.Ala353_Thr354insTer.
Molecular consequence: frameshift variant.
Genome position (GRCh38, 1-based): chr11:77,159,502-77,159,518, CACAGCTGCATCCCTGC deleted; deleting any 17 consecutive bases within chr11:77,159,500-77,159,518 gives the same sequence; the c. name uses the placement nearest the transcript's 3' end. VCF-style (leftmost placement, unchanged base first): chr11-77159499-GGCCACAGCTGCATCCCT-G. GRCh37 (hg19) VCF-style: chr11-76870545-GGCCACAGCTGCATCCCT-G.
Other names: c.1059_1075del, p.Ala353_Thr354insTer (NM_001127180.2); c.1026_1042del, p.Ala342_Thr343insTer (NM_001369365.1); c.1059_1075delCACAGCTGCATCCCTGC (NM_000260.3).
Identifiers: ClinVar variation 1455675 (VCV001455675.7), dbSNP rs2135270511, ClinGen allele CA2573147725.
Genomic context (GRCh38, chr11:77,159,499, plus strand): 5'-GCCAACAGCACGCACATTTGAAAACCTGGATGCCTGTGAGGTTCTCTTCTCCCCATCGCT[GGCCACAGCTGCATCCCT>G]GCTTGAGGTCAGTGCCTGGCCTCTCTCCCCTCCATGACTTCTGTCCCTCTGAAGGGTTGA-3'

ClinVar aggregate classification (germline): Pathogenic/Likely pathogenic. Review status: criteria provided, multiple submitters, no conflicts (2 of 4 stars). 2 submissions from 2 submitters: Pathogenic (1); Likely pathogenic (1). Last evaluated 2025-01-20.

Conditions:
Usher syndrome type 1B (USH1B). Also called: Usher syndrome type IB. Identifiers: MedGen C1848638, MONDO:0700087.

Submissions (2):

Natera, Inc.
Classification: Likely pathogenic for Usher syndrome type 1B. Last evaluated: 2025-01-20. Review status: criteria provided, single submitter. Criteria: Natera Variant Classification Schema (03/2026). Collection method: clinical testing. Allele origin: germline.
Comment: The c.1059_1075delCACAGCTGCATCCCTGC variant in MYO7A is a frameshift variant predicted to shift the reading frame and introduce a stop codon. This variant is expected to result in nonsense mediated decay, truncation, or a dysfunctional protein product. This variant is rare in the general population with a frequency below the threshold expected for the associated phenotype(s). Given the available evidence, this variant is classified as Likely Pathogenic.

Labcorp Genetics (formerly Invitae), Labcorp
Classification: Pathogenic. Last evaluated: 2021-04-14. Review status: criteria provided, single submitter. Criteria: Invitae Variant Classification Sherloc (09022015). Collection method: clinical testing. Allele origin: germline.
Comment: For these reasons, this variant has been classified as Pathogenic. This variant has not been reported in the literature in individuals with MYO7A-related conditions. This variant is not present in population databases (ExAC no frequency). This sequence change creates a premature translational stop signal (p.Thr354*) in the MYO7A gene. It is expected to result in an absent or disrupted protein product. Loss-of-function variants in MYO7A are known to be pathogenic (PMID: 8900236, 25404053).

Literature cited by the submitters: PubMed 8900236 (cited by Labcorp Genetics (formerly Invitae), Labcorp); PubMed 25404053 (cited by Labcorp Genetics (formerly Invitae), Labcorp).